The following is an entry in ClinVar:

ClinVar aggregate classification (germline): Likely benign. Review status: criteria provided, multiple submitters, no conflicts (2 of 4 stars). 2 submissions from 2 submitters: Likely benign (2). Last evaluated 2026-09-20.

Conditions:
GANAB-related disorder. Also called: GANAB-related condition.

gnomAD v4.1: 171 of 1,613,960 alleles (0.011%); highest among the groups gnomAD compares: South Asian, 0.18%; 1 homozygote.

Submissions (2):

PreventionGenetics, part of Exact Sciences
Classification: Likely benign for GANAB-related condition. Last evaluated: 2026-09-20. Review status: criteria provided, single submitter. Criteria: ACMG Guidelines, 2015. Collection method: clinical testing. Allele origin: germline.
Comment: This variant is classified as likely benign based on ACMG/AMP sequence variant interpretation guidelines (Richards et al. 2015 PMID: 25741868, with internal and published modifications).

Blueprint Genetics
Classification: Likely benign. Last evaluated: 2023-01-27. Review status: criteria provided, single submitter. Criteria: ACMG Guidelines, 2015. Collection method: clinical testing. Allele origin: germline.

NM_198334.3(GANAB):c.2776T>A (p.Leu926Met)

Gene: GANAB (glucosidase II alpha subunit; minus strand). Cytogenetic location: 11q12.3.
Variant type: single nucleotide variant.
Coding change: c.2776T>A on transcript NM_198334.3 (MANE Select); coding-DNA position 2776, T replaced by A.
Protein change: p.Leu926Met; replaces leucine 926 with methionine.
Molecular consequence: missense variant.
Genome position (GRCh38, 1-based): chr11:62,625,874, A>T on the plus strand (T>A on the coding strand, the complement: GANAB is on the minus strand). VCF-style: chr11-62625874-A-T. GRCh37 (hg19) VCF-style: chr11-62393346-A-T.
Other names: c.2500T>A, p.Leu834Met (NM_001278192.2); c.2434T>A, p.Leu812Met (NM_001278193.2); c.2485T>A, p.Leu829Met (NM_001278194.2, NM_001329222.2, NM_001329223.2); c.2053T>A, p.Leu685Met (NM_001329224.2, NM_001329225.2); c.2842T>A, p.Leu948Met (NM_198335.4); c.2842T>A (NM_198335.3); short protein forms L829M, L685M, L926M, L812M, L834M, L948M.
Identifiers: ClinVar variation 4912051 (VCV004912051.2).